The following is an entry in ClinVar:

NM_003106.4(SOX2):c.582_583delinsTT (p.Met194_Gln195delinsIleTer)

Genes: SOX2-OT (SOX2 overlapping transcript; plus strand), SOX2 (SRY-box transcription factor 2; plus strand). Cytogenetic location: 3q26.33.
Variant type: Indel.
Coding change: c.582_583delinsTT on transcript NM_003106.4 (MANE Select); coding-DNA positions 582 to 583, GC replaced by TT.
Protein change: p.Met194_Gln195delinsIleTer.
Molecular consequence: nonsense.
Genome position (GRCh38, 1-based): chr3:181,712,942-181,712,943, GC replaced by TT. VCF-style: chr3-181712942-GC-TT. GRCh37 (hg19) VCF-style: chr3-181430730-GC-TT.
Identifiers: ClinVar variation 986767 (VCV000986767.1), dbSNP rs1714864777, ClinGen allele CA1139658375.

ClinVar aggregate classification (germline): Pathogenic (0 of 4 stars; one submission).

Conditions:
Anophthalmia/microphthalmia-esophageal atresia syndrome (MCOPS3). Also called: MICROPHTHALMIA AND ESOPHAGEAL ATRESIA SYNDROME; AEG SYNDROME; SOX2 Disorder. Identifiers: Orphanet 77298, MedGen C1859773, MONDO:0008799, OMIM 206900.

Submission:

Anophthalmia/Microphthalmia Research Registry, Einstein Medical Center Philadelphia
Classification: Pathogenic for Anophthalmia/microphthalmia-esophageal atresia syndrome. Review status: no assertion criteria provided. Collection method: clinical testing. Allele origin: germline. Inheritance: Autosomal dominant inheritance. Affected: yes. Observed: 1 variant allele. Segregation with disease not observed.